The following is an entry in ClinVar:

ClinVar aggregate classification (germline): Uncertain significance (1 of 4 stars; one submission).

Submission:

GeneDx
Classification: Uncertain significance. Last evaluated: 2023-03-24. Review status: criteria provided, single submitter. Criteria: GeneDx Variant Classification Process June 2021. Collection method: clinical testing. Allele origin: germline. Affected: yes.
Comment: Not observed at significant frequency in large population cohorts (gnomAD); In silico analysis supports that this missense variant has a deleterious effect on protein structure/function; Has not been previously published as pathogenic or benign to our knowledge

NM_002087.4(GRN):c.1330T>C (p.Cys444Arg)

Gene: GRN (granulin precursor; plus strand). Cytogenetic location: 17q21.31.
Variant type: single nucleotide variant.
Coding change: c.1330T>C on transcript NM_002087.4 (MANE Select); coding-DNA position 1330, T replaced by C.
Protein change: p.Cys444Arg; replaces cysteine 444 with arginine.
Molecular consequence: missense variant.
Genome position (GRCh38, 1-based): chr17:44,352,165, T>C. VCF-style: chr17-44352165-T-C. GRCh37 (hg19) VCF-style: chr17-42429533-T-C.
Other names: short protein forms C444R.
Identifiers: ClinVar variation 2580517 (VCV002580517.1), dbSNP rs2510057994, ClinGen allele CA399768992.
Genomic context (GRCh38, chr17:44,352,165, plus strand): 5'-GCTGGACTGGAGAAGATGCCTGCCCGCCGGGCTTCCTTATCCCACCCCAGAGACATCGGC[T>C]GTGACCAGCACACCAGCTGCCCGGTGGGGCAGACCTGCTGCCCGAGCCTGGGTGGGAGCT-3'
Protein context (NP_002078.1, residues 434-454): ASLSHPRDIG[Cys444Arg]DQHTSCPVGQ